The following is an entry in ClinVar:

ClinVar aggregate classification (germline): Pathogenic. Review status: criteria provided, multiple submitters, no conflicts (2 of 4 stars). 5 submissions from 5 submitters: Pathogenic (5). Last evaluated 2025-12-21.

Conditions:
Gastric cancer. Also called: Stomach cancer; Malignant tumor of stomach. Identifiers: MedGen C0024623, MeSH D013274, MONDO:0001056, OMIM 613659, HP:0012126.
Colorectal cancer. Also called: Colorectal cancer, somatic; Malignant Colorectal Neoplasm. Identifiers: MedGen C0346629, MONDO:0005575, OMIM 114500.
Familial adenomatous polyposis 1 (FAP1). Also called: FAMILIAL ADENOMATOUS POLYPOSIS 1, ATTENUATED; POLYPOSIS, ADENOMATOUS INTESTINAL. Identifiers: MedGen C2713442, MONDO:0021056, OMIM 175100. Disease mechanism: loss of function.
Hepatocellular carcinoma (HCC). Also called: Primary carcinoma of liver; HEPATOMA; LIVER CELL CARCINOMA. Identifiers: Orphanet 88673, MedGen C2239176, MONDO:0007256, OMIM 114550, HP:0001402.
Desmoid disease, hereditary (DESMD). Also called: FIBROMATOSIS, FAMILIAL INFILTRATIVE. Identifiers: Orphanet 873, MedGen C1851124, OMIM 135290. Disease mechanism: loss of function.
Gastric adenocarcinoma and proximal polyposis of the stomach (GAPPS). Also called: Polyposis, gastric, Dos Santos and de Magalhaes 1980; POLYPOSIS, GASTRIC; Gastric Adenocarcinoma and Proximal Polyposis of the Stomach (GAPPS). Identifiers: Orphanet 314022, MedGen C4749917, MONDO:0017790, OMIM 619182.
Hereditary cancer-predisposing syndrome. Also called: Tumor predisposition; Hereditary neoplastic syndrome; Neoplastic Syndromes, Hereditary; Hereditary Cancer Syndrome. Identifiers: Orphanet 140162, MedGen C0027672, MeSH D009386, MONDO:0015356.

Submissions (5):

GeneDx
Classification: Pathogenic. Last evaluated: 2025-12-21. Review status: criteria provided, single submitter. Criteria: GeneDx Variant Classification Process June 2021. Collection method: clinical testing. Allele origin: germline. Affected: yes.
Comment: Frameshift variant predicted to result in protein truncation or nonsense mediated decay in a gene for which loss of function is a known mechanism of disease; Not observed at significant frequency in large population cohorts (gnomAD); This variant is associated with the following publications: (PMID: 23159591)

Ambry Genetics
Classification: Pathogenic for Hereditary cancer-predisposing syndrome. Last evaluated: 2025-08-08. Review status: criteria provided, single submitter. Criteria: Ambry Variant Classification Scheme 2023. Collection method: clinical testing. Allele origin: germline.
Comment: The c.74_75delAA pathogenic mutation, located in coding exon 1 of the APC gene, results from a deletion of two nucleotides at nucleotide positions 74 to 75, causing a translational frameshift with a predicted alternate stop codon (p.Q25Rfs*5). Premature termination codons are typically deleterious in nature. In a large (n=1,591) series of patients referred for APC testing, this alteration was detected in one individual. (Kerr SE et al. J Mol Diagn, 2013 Jan;15:31-43). This variant is considered to be rare based on population cohorts in the Genome Aggregation Database (gnomAD). As such, this alteration is classified as a disease-causing mutation. However, alterations that result in premature termination in coding exon 1 are associated with an attenuated phenotype and may have reduced penetrance compared to classic familial adenomatous polyposis syndrome. Clinical correlation is advised.

Labcorp Genetics (formerly Invitae), Labcorp
Classification: Pathogenic for Familial adenomatous polyposis 1. Last evaluated: 2024-12-26. Review status: criteria provided, single submitter. Criteria: Invitae Variant Classification Sherloc (09022015). Collection method: clinical testing. Allele origin: germline.
Comment: This sequence change creates a premature translational stop signal (p.Gln25Argfs*5) in the APC gene. It is expected to result in an absent or disrupted protein product. Loss-of-function variants in APC are known to be pathogenic (PMID: 17963004, 20685668). This variant is not present in population databases (gnomAD no frequency). This premature translational stop signal has been observed in individual(s) with familial adenomatous polyposis (PMID: 23159591). ClinVar contains an entry for this variant (Variation ID: 470090). For these reasons, this variant has been classified as Pathogenic.

Myriad Genetics, Inc.
Classification: Pathogenic for Familial adenomatous polyposis 1. Last evaluated: 2023-04-24. Review status: criteria provided, single submitter. Criteria: Myriad Autosomal Dominant, Autosomal Recessive and X-Linked Classification Criteria (2023). Collection method: clinical testing. Allele origin: unknown.
Comment: This variant is considered pathogenic. This variant creates a frameshift predicted to result in premature protein truncation.

Fulgent Genetics
Classification: Pathogenic for Colorectal cancer; Hepatocellular carcinoma; Desmoid disease, hereditary; Familial adenomatous polyposis 1; Gastric cancer; Gastric adenocarcinoma and proximal polyposis of the stomach. Last evaluated: 2022-04-13. Review status: criteria provided, single submitter. Criteria: ACMG Guidelines, 2015. Collection method: clinical testing. Allele origin: unknown.

Literature cited by the submitters: PubMed 23159591 (cited by Ambry Genetics and Labcorp Genetics (formerly Invitae), Labcorp); PubMed 17963004 (cited by Labcorp Genetics (formerly Invitae), Labcorp); PubMed 20685668 (cited by Labcorp Genetics (formerly Invitae), Labcorp).

NM_000038.6(APC):c.74_75del (p.Gln25fs)

Gene: APC (APC regulator of Wnt signaling pathway; plus strand). Cytogenetic location: 5q22.2.
Variant type: Deletion.
Coding change: c.74_75del on transcript NM_000038.6 (MANE Select); coding-DNA positions 74 to 75, 2 bases deleted (AA; older notation c.74_75delAA).
Protein change: p.Gln25fs; shifts the reading frame from glutamine 25.
Molecular consequence: frameshift variant. On other transcripts: 5 prime UTR variant (1), intron variant (8).
Genome position (GRCh38, 1-based): chr5:112,754,964-112,754,965, AA deleted. VCF-style (leftmost placement, unchanged base first): chr5-112754963-CAA-C. GRCh37 (hg19) VCF-style: chr5-112090660-CAA-C.
Other names: c.74_75del (NM_000038.5); c.74_75del, p.Gln25fs (NM_001127510.3, NM_001354895.2, NM_001354896.2 and 2 more transcripts); c.-962_-961del (NM_001354906.2); c.166-11362_166-11361del (NM_001354897.2, NM_001354902.2, NM_001127511.3); c.61-11362_61-11361del (NM_001354898.2, NM_001354904.2); c.-42-11362_-42-11361del (NM_001354900.2, NM_001354901.2, NM_001354905.2); short protein forms Q25fs.
Identifiers: ClinVar variation 470090 (VCV000470090.18), dbSNP rs1554067124, ClinGen allele CA658657468.